The following is an entry in ClinVar:

NM_013432.5(TONSL):c.3698C>T (p.Ser1233Leu)

Gene: TONSL (tonsoku like, DNA repair protein; minus strand). Cytogenetic location: 8q24.3.
Variant type: single nucleotide variant.
Coding change: c.3698C>T on transcript NM_013432.5 (MANE Select); coding-DNA position 3698, C replaced by T.
Protein change: p.Ser1233Leu; replaces serine 1233 with leucine.
Molecular consequence: missense variant.
Genome position (GRCh38, 1-based): chr8:144,432,322, G>A on the plus strand (C>T on the coding strand, the complement: TONSL is on the minus strand). VCF-style: chr8-144432322-G-A. GRCh37 (hg19) VCF-style: chr8-145657705-G-A.
Other names: short protein forms S1233L.
Identifiers: ClinVar variation 1981095 (VCV001981095.1), dbSNP rs782231158, ClinGen allele CA4942408.

ClinVar aggregate classification (germline): Uncertain significance (1 of 4 stars; one submission).

Allele frequency attached by ClinVar (database versions not stated): gnomAD exomes 0.00002; ExAC 0.00003.
gnomAD v4.1: 26 of 1,613,740 alleles (0.0016%); highest among the groups gnomAD compares: South Asian, 0.0066%; no homozygotes.

Submission:

Labcorp Genetics (formerly Invitae), Labcorp
Classification: Uncertain significance. Last evaluated: 2022-09-19. Review status: criteria provided, single submitter. Criteria: Invitae Variant Classification Sherloc (09022015). Collection method: clinical testing. Allele origin: germline.
Comment: This sequence change replaces serine, which is neutral and polar, with leucine, which is neutral and non-polar, at codon 1233 of the TONSL protein (p.Ser1233Leu). This variant is present in population databases (rs782231158, gnomAD 0.004%). This variant has not been reported in the literature in individuals affected with TONSL-related conditions. Advanced modeling of protein sequence and biophysical properties (such as structural, functional, and spatial information, amino acid conservation, physicochemical variation, residue mobility, and thermodynamic stability) performed at Invitae indicates that this missense variant is not expected to disrupt TONSL protein function. In summary, the available evidence is currently insufficient to determine the role of this variant in disease. Therefore, it has been classified as a Variant of Uncertain Significance.